The following is an entry in ClinVar:

NM_000179.3(MSH6):c.3038dup (p.Lys1014fs)

Gene: MSH6 (mutS homolog 6; plus strand). Cytogenetic location: 2p16.3.
Variant type: Duplication.
Coding change: c.3038dup on transcript NM_000179.3 (MANE Select); coding-DNA position 3038, one base duplicated (A; older notation c.3038dupA).
Protein change: p.Lys1014fs; shifts the reading frame from lysine 1014.
Molecular consequence: frameshift variant. On other transcripts: non-coding transcript variant (5), intron variant (2).
Genome position (GRCh38, 1-based): chr2:47,801,021, A duplicated; the last of 4 consecutive A bases (chr2:47,801,018-47,801,021); duplicating any one gives the same sequence. VCF-style (leftmost placement, unchanged base first): chr2-47801017-G-GA. GRCh37 (hg19) VCF-style: chr2-48028156-G-GA.
Other names: c.2132dup, p.Lys712fs (NM_001281493.2, NM_001281494.2, NM_001406814.1 and 6 more transcripts); c.3134dup, p.Lys1046fs (NM_001406795.1, NM_001406802.1); c.3038dup, p.Lys1014fs (NM_001406796.1, NM_001406798.1, NM_001406800.1 and 2 more transcripts); c.2741dup, p.Lys915fs (NM_001406797.1, NM_001406818.1, NM_001406819.1 and 10 more transcripts); c.2513dup, p.Lys839fs (NM_001406799.1, NM_001406806.1, NM_001406807.1); c.3044dup, p.Lys1016fs (NM_001406813.1); c.2308+730dup (NM_001406803.1); c.1606+1432dup (NM_001406817.1); and 5 more; short protein forms K1014fs, K1016fs, K1046fs, K329fs, K712fs, K839fs, K884fs, K915fs.
Identifiers: ClinVar variation 2673723 (VCV002673723.6), dbSNP rs2530709128, ClinGen allele CA2695200616.

ClinVar aggregate classification (germline): Pathogenic/Likely pathogenic. Review status: criteria provided, multiple submitters, no conflicts (2 of 4 stars). 4 submissions from 4 submitters: Pathogenic (3); Likely pathogenic (1). Last evaluated 2026-03-12.

Conditions:
Hereditary nonpolyposis colorectal neoplasms. Identifiers: MedGen C0009405, MeSH D003123.
Hereditary nonpolyposis colon cancer (HNPCC). Also called: Hereditary nonpolyposis colorectal cancer; Familial nonpolyposis colon cancer; Hereditary Nonpolyposis Colorectal Cancer Syndrome. Identifiers: Orphanet 443909, MedGen C1333990, MONDO:0018630. Disease mechanism: loss of function.
Lynch syndrome 5 (LYNCH5). Also called: Colorectal cancer, hereditary nonpolyposis, type 5; Hereditary non-polyposis colorectal cancer, type 5. Identifiers: Orphanet 144, MedGen C1833477, MONDO:0013710, OMIM 614350. Disease mechanism: loss of function.
Endometrial carcinoma. Also called: Endometrial carcinoma, somatic. Identifiers: MedGen C0476089, MONDO:0002447, OMIM 608089, HP:0012114.

Submissions (4):

Women's Health and Genetics/Laboratory Corporation of America, LabCorp
Classification: Pathogenic for Hereditary nonpolyposis colon cancer. Last evaluated: 2026-03-12. Review status: criteria provided, single submitter. Criteria: LabCorp Variant Classification Summary - May 2015. Collection method: clinical testing. Allele origin: germline.
Comment: Variant summary: MSH6 c.3038dupA (p.Lys1014GlufsX4) results in a premature termination codon, predicted to cause a truncation of the encoded protein or absence of the protein due to nonsense mediated decay, which are commonly known mechanisms for disease. The variant was absent in 220392 control chromosomes. To our knowledge, no occurrence of c.3038dupA in individuals affected with MSH6-related conditions and no experimental evidence demonstrating its impact on protein function have been reported. ClinVar contains an entry for this variant (Variation ID: 2673723). Based on the evidence outlined above, the variant was classified as pathogenic.

Labcorp Genetics (formerly Invitae), Labcorp
Classification: Pathogenic for Hereditary nonpolyposis colorectal neoplasms. Last evaluated: 2025-09-08. Review status: criteria provided, single submitter. Criteria: Invitae Variant Classification Sherloc (09022015). Collection method: clinical testing. Allele origin: germline.
Comment: This sequence change creates a premature translational stop signal (p.Lys1014Glufs*4) in the MSH6 gene. It is expected to result in an absent or disrupted protein product. Loss-of-function variants in MSH6 are known to be pathogenic (PMID: 18269114, 24362816). This variant is not present in population databases (gnomAD no frequency). This variant has not been reported in the literature in individuals affected with MSH6-related conditions. ClinVar contains an entry for this variant (Variation ID: 2673723). For these reasons, this variant has been classified as Pathogenic.

Myriad Genetics, Inc.
Classification: Pathogenic for Lynch syndrome 5. Last evaluated: 2023-08-22. Review status: criteria provided, single submitter. Criteria: Myriad Autosomal Dominant, Autosomal Recessive and X-Linked Classification Criteria (2023). Collection method: clinical testing. Allele origin: unknown.
Comment: This variant is considered pathogenic. This variant creates a frameshift predicted to result in premature protein truncation.

Baylor Genetics
Classification: Likely pathogenic for Endometrial carcinoma. Last evaluated: 2023-07-05. Review status: criteria provided, single submitter. Criteria: ACMG Guidelines, 2015. Collection method: clinical testing. Allele origin: unknown.

Literature cited by the submitters: PubMed 18269114 (cited by Labcorp Genetics (formerly Invitae), Labcorp); PubMed 24362816 (cited by Labcorp Genetics (formerly Invitae), Labcorp).